The following is an entry in ClinVar:

NM_004820.5(CYP7B1):c.1456C>T (p.Arg486Cys)

Gene: CYP7B1 (cytochrome P450 family 7 subfamily B member 1; minus strand). Cytogenetic location: 8q12.3.
Variant type: single nucleotide variant.
Coding change: c.1456C>T on transcript NM_004820.5 (MANE Select); coding-DNA position 1456, C replaced by T.
Protein change: p.Arg486Cys; replaces arginine 486 with cysteine.
Molecular consequence: missense variant. On other transcripts: intron variant (1).
Genome position (GRCh38, 1-based): chr8:64,596,707, G>A on the plus strand (C>T on the coding strand, the complement: CYP7B1 is on the minus strand). VCF-style: chr8-64596707-G-A. GRCh37 (hg19) VCF-style: chr8-65509264-G-A.
Other names: c.1234-6863C>T (NM_001324112.2); short protein forms R486C.
Identifiers: ClinVar variation 6107 (VCV000006107.96), dbSNP rs116171274, ClinGen allele CA210948.
Genomic context (GRCh38, chr8:64,596,707, plus strand): 5'-ATTTCACTTTGTATCTAAATAAAACATCAGAATCTGGATACTGAATACCAAACAACAAGC[G>A]GCTGTAGTTTAGTCCTATGGGCTTATCATCAATTATTTCTAAATCAAAATAAGTTAAAAG-3'
Protein context (NP_004811.1, residues 476-496): DDKPIGLNYS[Arg486Cys]LLFGIQYPDS

ClinVar aggregate classification (germline): Pathogenic/Likely pathogenic. Review status: criteria provided, multiple submitters, no conflicts (2 of 4 stars). 27 submissions from 27 submitters: Pathogenic (18); Likely pathogenic (5). 4 of the submissions do not count toward it. Last evaluated 2026-09-09.

Conditions:
CYP7B1-related disorder. Also called: CYP7B1-related condition.
CHD7-related CHARGE syndrome. Identifiers: MedGen CN380413, MONDO:1010178, OMIM 214800.
Hereditary spastic paraplegia 5A (SPG5A). Also called: SPASTIC PARAPLEGIA 5A, AUTOSOMAL RECESSIVE. Identifiers: Orphanet 100986, MedGen C1849115, MONDO:0010047, OMIM 270800.
Congenital bile acid synthesis defect 3. Identifiers: Orphanet 79302, MedGen C3151147, MONDO:0013439, OMIM 613812.
Hereditary spastic paraplegia. Also called: Familial spastic paraparesis. Identifiers: Orphanet 685, MedGen C0037773, MONDO:0019064. Disease mechanism: loss of function.
Spastic paraplegia. Identifiers: MedGen C0037772, HP:0001258.

Allele frequency attached by ClinVar (database versions not stated): gnomAD 0.00051; TOPMed 0.00059; 1000 Genomes Project 0.00060; 1000 Genomes Project 30x 0.00062; ExAC 0.00070; ESP Exome Variant Server 0.00085.
gnomAD v4.1: 1,254 of 1,613,374 alleles (0.078%); highest among the groups gnomAD compares: Non-Finnish European, 0.098%; 4 homozygotes.

Submissions 1 to 12 of 27:

GeneDx
Classification: Pathogenic. Last evaluated: 2026-09-09. Review status: criteria provided, single submitter. Criteria: GeneDx Variant Classification Process June 2021. Collection method: clinical testing. Allele origin: germline.
Comment: In silico analysis supports that this missense variant has a deleterious effect on protein structure/function; This variant is associated with the following publications: (PMID: 20981092, 25073475, 37273706, 34983064, 24927729, 27077743, 34758253, 21623769, 37152446, 24117163, 21541746, 23812641, 28832565, 22384504, 27217339, 27957547, 27879216, 32202070, 31980526, 33160247, 31847883, 35944583, 37024986, 38361118, 38499745, 19439420, 29908077, 32153140, 29228183, 40571342)

Labcorp Genetics (formerly Invitae), Labcorp
Classification: Pathogenic for Spastic paraplegia. Last evaluated: 2026-01-26. Review status: criteria provided, single submitter. Criteria: Invitae Variant Classification Sherloc (09022015). Collection method: clinical testing. Allele origin: germline.
Comment: This sequence change replaces arginine, which is basic and polar, with cysteine, which is neutral and slightly polar, at codon 486 of the CYP7B1 protein (p.Arg486Cys). This variant is present in population databases (rs116171274, gnomAD 0.1%), and has an allele count higher than expected for a pathogenic variant. This missense change has been observed in individuals with hereditary spastic paraplegia. In these individuals, this variant was observed in either the homozygous state or compound heterozygous state (PMID: 19439420, 21623769, 23812641, 24117163). ClinVar contains an entry for this variant (Variation ID: 6107). Invitae Evidence Modeling of protein sequence and biophysical properties (such as structural, functional, and spatial information, amino acid conservation, physicochemical variation, residue mobility, and thermodynamic stability) indicates that this missense variant is expected to disrupt CYP7B1 protein function with a positive predictive value of 95%. For these reasons, this variant has been classified as Pathogenic.

Victorian Clinical Genetics Services, Murdoch Childrens Research Institute
Classification: Pathogenic for Hereditary spastic paraplegia 5A. Last evaluated: 2025-11-06. Review status: criteria provided, single submitter. Criteria: ACMG Guidelines, 2015. Collection method: clinical testing. Allele origin: germline. Affected: yes.
Comment: This variant is classified as Pathogenic. Evidence in support of pathogenic classification: Variant is present in gnomAD <0.01 for a recessive condition (v4: 1246 heterozygote(s), 4 homozygote(s)); This variant has strong previous evidence of pathogenicity in unrelated individuals. It has been classified as pathogenic and likely pathogenic by multiple clinical laboratories (ClinVar); Missense variant consistently predicted to be damaging by an in silico tool or highly conserved with a major amino acid change. Additional information: Variant is predicted to result in a missense amino acid change from Arg to Cys; This variant is heterozygous; This gene is associated with autosomal recessive disease; Multiple alternative amino acid changes at the same position have been observed in gnomAD (v4; highest allele count: 84 heterozygote(s), 0 homozygote(s)) - Variant is located in the annotated p450 domain (DECIPHER); Loss of function is a known mechanism of disease in this gene and is associated with congenital bile acid synthesis defect 3 (MIM#3613812) and autosomal recessive spastic paraplegia 5A (MIM#270800); Heterozygous variant detected in trans with a second likely PATHOGENIC heterozygous variant (NM_004820.5(CYP7B1):c.1351G>A; p.(Gly451Ser)) in a recessive disease; Inheritance information for this variant is not currently available in this individual.

Variantyx, Inc.
Classification: Pathogenic for CHD7-related CHARGE syndrome. Last evaluated: 2025-07-10. Review status: criteria provided, single submitter. Criteria: Variantyx Assertion Criteria 2022. Collection method: clinical testing. Allele origin: germline. Inheritance: Autosomal recessive inheritance. Affected: no.
Comment: This is a nonsynonymous variant in the CYP7B1 gene (OMIM: 603711). Pathogenic variants in this gene have been associated with autosomal recessive spastic paraplegia 5A. This variant has been reported in the homozygous or compound heterozygous state in many unrelated affected individuals (PMID: 19439420, 21623769, 23812641, 24117163, 22384504, 29228183) (PM3) and has a 0.0982% maximum allele frequency in non-founder control populations (PM2). Multiple computational algorithms predict a deleterious effect for this variant (REVEL score: 0.666) (PP3). Based on the current evidence, this variant is classified as pathogenic for autosomal recessive spastic paraplegia 5A.

Laboratory of Genetics, Children's Clinical University Hospital Latvia
Classification: Pathogenic. Last evaluated: 2025-02-16. Review status: criteria provided, single submitter. Criteria: ACMG Guidelines, 2015. Collection method: clinical testing. Allele origin: germline. Affected: yes.

Fulgent Genetics
Classification: Pathogenic for Hereditary spastic paraplegia 5A; Congenital bile acid synthesis defect 3. Last evaluated: 2024-06-10. Review status: criteria provided, single submitter. Criteria: ACMG Guidelines, 2015. Collection method: clinical testing. Allele origin: germline.

Blueprint Genetics
Classification: Pathogenic for CYP7B1-related disorders. Last evaluated: 2024-04-10. Review status: criteria provided, single submitter. Criteria: ACMG Guidelines, 2015. Collection method: clinical testing. Allele origin: germline. Affected: yes. Observed: 5 variant alleles.

CeGaT Center for Human Genetics Tuebingen
Classification: Pathogenic. Last evaluated: 2023-08-01. Review status: criteria provided, single submitter. Criteria: CeGaT Center For Human Genetics Tuebingen Variant Classification Criteria Version 2. Collection method: clinical testing. Allele origin: germline. Affected: yes. Observed: 7 variant alleles.
Comment: CYP7B1: PM3:Very Strong, PM2:Supporting, PP1, PP4

Women's Health and Genetics/Laboratory Corporation of America, LabCorp
Classification: Pathogenic for Hereditary spastic paraplegia. Last evaluated: 2023-06-23. Review status: criteria provided, single submitter. Criteria: LabCorp Variant Classification Summary - May 2015. Collection method: clinical testing. Allele origin: germline.
Comment: Variant summary: CYP7B1 c.1456C>T (p.Arg486Cys) results in a non-conservative amino acid change in the encoded protein sequence. Five of five in-silico tools predict a damaging effect of the variant on protein function. The variant allele was found at a frequency of 0.00052 in 250608 control chromosomes (gnomAD). This frequency is not significantly higher than estimated for a pathogenic variant in CYP7B1 causing Hereditary Spastic Paraplegia, Type 5a (0.00052 vs 0.0011), allowing no conclusion about variant significance. c.1456C>T has been reported in the literature as a biallelic genotype in multiple individuals affected with Hereditary Spastic Paraplegia, Type 5a (e.g. Goizet_2009, Schlipf_2011, Kumar_2013, Roos_2014). These data indicate that the variant is very likely to be associated with disease. To our knowledge, no experimental evidence demonstrating an impact on protein function has been reported. The following publications have been ascertained in the context of this evaluation (PMID: 19439420, 23812641, 24117163, 21623769). Fifteen ClinVar submitters have assessed the variant since 2014: five classified the variant as likely pathogenic and ten as pathogenic. Based on the evidence outlined above, the variant was classified as pathogenic.

3billion
Classification: Likely pathogenic for Hereditary spastic paraplegia 5A. Last evaluated: 2023-02-23. Review status: criteria provided, single submitter. Criteria: ACMG Guidelines, 2015. Collection method: clinical testing. Allele origin: unknown. Affected: yes.
Comment: The variant is observed at an extremely low frequency in the gnomAD v2.1.1 dataset (total allele frequency: 0.052%). In silico tool predictions suggest damaging effect of the variant on gene or gene product (REVEL: 0.67; 3Cnet: 0.94). Same nucleotide change resulting in same amino acid change has been previously reported as pathogenic/likely pathogenic with strong evidence (ClinVar ID: VCV000006107). Therefore, this variant is classified as Likely pathogenic according to the recommendation of ACMG/AMP guideline.

Revvity Omics, Revvity
Classification: Likely pathogenic. Last evaluated: 2023-02-17. Review status: criteria provided, single submitter. Criteria: ACMG Guidelines, 2015. Collection method: clinical testing. Allele origin: germline.

Clinical Genetics Laboratory, Skane University Hospital Lund
Classification: Pathogenic. Last evaluated: 2022-05-27. Review status: criteria provided, single submitter. Criteria: ACMG Guidelines, 2015. Collection method: clinical testing. Allele origin: germline. Affected: yes.